The following is an entry in ClinVar:

ClinVar aggregate classification (germline): Uncertain significance (1 of 4 stars; one submission).

Conditions:
Inborn genetic diseases. Identifiers: MedGen C0950123, MeSH D030342.

Submission:

Ambry Genetics
Classification: Uncertain significance for Inborn genetic diseases. Last evaluated: 2026-03-19. Review status: criteria provided, single submitter. Criteria: Ambry Variant Classification Scheme 2023. Collection method: clinical testing. Allele origin: germline.
Comment: The p.W312C variant (also known as c.936G>C), located in coding exon 5 of the ERCC6L2 gene, results from a G to C substitution at nucleotide position 936. The tryptophan at codon 312 is replaced by cysteine, an amino acid with highly dissimilar properties. This amino acid position is conserved. In addition, this alteration is predicted to be deleterious by in silico analysis. Based on the available evidence, the clinical significance of this variant remains unclear.

NM_020207.7(ERCC6L2):c.936G>C (p.Trp312Cys)

Gene: ERCC6L2 (ERCC excision repair 6 like 2; plus strand). Cytogenetic location: 9q22.32.
Variant type: single nucleotide variant.
Coding change: c.936G>C on transcript NM_020207.7 (MANE Select); coding-DNA position 936, G replaced by C.
Protein change: p.Trp312Cys; replaces tryptophan 312 with cysteine.
Molecular consequence: missense variant. On other transcripts: non-coding transcript variant (1).
Genome position (GRCh38, 1-based): chr9:95,915,815, G>C. VCF-style: chr9-95915815-G-C. GRCh37 (hg19) VCF-style: chr9-98678097-G-C.
Other names: c.936G>C, p.Trp312Cys (NM_001010895.4, NM_001375291.1, NM_001375292.1 and 2 more transcripts); short protein forms W312C.
Identifiers: ClinVar variation 4870570 (VCV004870570.1).